The following is an entry in ClinVar:

ClinVar aggregate classification (germline): Conflicting classifications of pathogenicity. Review status: criteria provided, conflicting classifications (1 of 4 stars). 3 submissions from 3 submitters: Likely pathogenic (2); Uncertain significance (1). Last evaluated 2026-04-09.

Conditions:
Interstitial lung disease due to ABCA3 deficiency. Also called: PULMONARY ALVEOLAR PROTEINOSIS, CONGENITAL, 3. Identifiers: Orphanet 440402, MedGen C1970456, MONDO:0012582, OMIM 610921.

gnomAD v4.1: 8 of 1,614,154 alleles (0.0005%); highest among the groups gnomAD compares: Non-Finnish European, 0.00068%; no homozygotes.

Submissions (3):

Myriad Genetics, Inc.
Classification: Uncertain significance for Interstitial lung disease due to ABCA3 deficiency. Last evaluated: 2026-04-09. Review status: criteria provided, single submitter. Criteria: Myriad Autosomal Dominant, Autosomal Recessive and X-Linked Classification Criteria (2023). Collection method: clinical testing. Allele origin: unknown.
Comment: NM_001089.2(ABCA3):c.463C>T(R155W) is a missense variant classified as a variant of uncertain significance in the context of surfactant deficiency, ABCA3-related. R155W has been observed in a case with relevant disease (PMID: 23625987). Relevant functional assessments of this variant are not available in the literature. R155W has not been observed in referenced population frequency databases. In summary, there is insufficient evidence to classify NM_001089.2(ABCA3):c.463C>T(R155W) as pathogenic or benign. Please note: this variant was assessed in the context of healthy population screening.

Fulgent Genetics
Classification: Likely pathogenic for Interstitial lung disease due to ABCA3 deficiency. Last evaluated: 2024-02-26. Review status: criteria provided, single submitter. Criteria: ACMG Guidelines, 2015. Collection method: clinical testing. Allele origin: germline.

3billion
Classification: Likely pathogenic for Interstitial lung disease due to ABCA3 deficiency. Last evaluated: 2023-07-09. Review status: criteria provided, single submitter. Criteria: ACMG Guidelines, 2015. Collection method: clinical testing. Allele origin: germline. Affected: yes.
Comment: The variant is not observed in the gnomAD v2.1.1 dataset. Predicted Consequence/Location: Missense variant In silico tool predictions suggest damaging effect of the variant on gene or gene product (REVEL: 0.95; 3Cnet: 0.32). Same nucleotide change resulting in same amino acid change (PMID: 23625987) and a different missense change at the same codon (p.Arg155Gln / PMID: 17517255) have been previously reported to be associated with ABCA3 related disorder.The variant has been reported to be in trans with a pathogenic variant as either compound heterozygous or homozygous in at least one similarly affected unrelated individual (PMID: 23625987). Therefore, this variant is classified as Likely pathogenic according to the recommendation of ACMG/AMP guideline.

Literature cited by the submitters: PubMed 23625987 (cited by Myriad Genetics, Inc. and 3billion); PubMed 17517255 (cited by 3billion).

NM_001089.3(ABCA3):c.463C>T (p.Arg155Trp)

Gene: ABCA3 (ATP binding cassette subfamily A member 3; minus strand). Cytogenetic location: 16p13.3.
Variant type: single nucleotide variant.
Coding change: c.463C>T on transcript NM_001089.3 (MANE Select); coding-DNA position 463, C replaced by T.
Protein change: p.Arg155Trp; replaces arginine 155 with tryptophan.
Molecular consequence: missense variant.
Genome position (GRCh38, 1-based): chr16:2,323,673, G>A on the plus strand (C>T on the coding strand, the complement: ABCA3 is on the minus strand). VCF-style: chr16-2323673-G-A. GRCh37 (hg19) VCF-style: chr16-2373674-G-A.
Other names: short protein forms R155W.
Identifiers: ClinVar variation 3580038 (VCV003580038.3).
Genomic context (GRCh38, chr16:2,323,673, plus strand): 5'-CTTTCAGGAAAAAGGAGCCTGTTTGGGTCCACATGTAATTTCTCCGTGTGTAACTGAACC[G>A]TAGGTGATATTTCACCTGTGGAAACAAAGAGAAAACCAGCTGTTCCGAGAGATCCAGACA-3'
Protein context (NP_001080.2, residues 145-165): PLPLAVKYHL[Arg155Trp]FSYTRRNYMW